The following is an entry in ClinVar:

ClinVar aggregate classification (germline): Conflicting classifications of pathogenicity. Review status: criteria provided, conflicting classifications (1 of 4 stars). 7 submissions from 7 submitters: Uncertain significance (3); Likely benign (4). Last evaluated 2026-02-01.

Conditions:
CACNB2-related disorder. Also called: CACNB2-related condition.
Cardiovascular phenotype. Identifiers: MedGen CN230736.
Brugada syndrome 4 (BRGDA4). Identifiers: Orphanet 130, MedGen C2678477, MONDO:0012743, OMIM 611876.

Allele frequency attached by ClinVar (database versions not stated): gnomAD 0.00005; ESP Exome Variant Server 0.00008; TOPMed 0.00009; ExAC 0.00011; gnomAD exomes 0.00011 and 0.00012.
gnomAD v4.1: 190 of 1,608,442 alleles (0.012%); highest among the groups gnomAD compares: Middle Eastern, 0.033%; no homozygotes.

Submissions (7):

CeGaT Center for Human Genetics Tuebingen
Classification: Likely benign. Last evaluated: 2026-02-01. Review status: criteria provided, single submitter. Criteria: CeGaT Center For Human Genetics Tuebingen Variant Classification Criteria Version 2. Collection method: clinical testing. Allele origin: germline. Affected: yes. Observed: 1 variant allele.
Comment: CACNB2: BP4

Labcorp Genetics (formerly Invitae), Labcorp
Classification: Uncertain significance for Brugada syndrome 4. Last evaluated: 2025-10-17. Review status: criteria provided, single submitter. Criteria: Invitae Variant Classification Sherloc (09022015). Collection method: clinical testing. Allele origin: germline.
Comment: This sequence change falls in intron 10 of the CACNB2 gene. It does not directly change the encoded amino acid sequence of the CACNB2 protein. It affects a nucleotide within the consensus splice site. This variant is present in population databases (rs200174877, gnomAD 0.02%). This variant has been observed in individual(s) with clinical features of Brugada syndrome (PMID: 28600387). This variant is also known as c.1122+3A>T. ClinVar contains an entry for this variant (Variation ID: 180291). Variants that disrupt the consensus splice site are a relatively common cause of aberrant splicing (PMID: 17576681, 9536098). Algorithms developed to predict the effect of sequence changes on RNA splicing suggest that this variant is not likely to affect RNA splicing. In summary, the available evidence is currently insufficient to determine the role of this variant in disease. Therefore, it has been classified as a Variant of Uncertain Significance.

PreventionGenetics, part of Exact Sciences
Classification: Likely benign for CACNB2-related condition. Last evaluated: 2025-03-15. Review status: criteria provided, single submitter. Criteria: ACMG Guidelines, 2015. Collection method: clinical testing. Allele origin: germline.
Comment: This variant is classified as likely benign based on ACMG/AMP sequence variant interpretation guidelines (Richards et al. 2015 PMID: 25741868, with internal and published modifications).

Ambry Genetics
Classification: Likely benign for Cardiovascular phenotype. Last evaluated: 2022-09-21. Review status: criteria provided, single submitter. Criteria: Ambry Variant Classification Scheme 2023. Collection method: clinical testing. Allele origin: germline.

Women's Health and Genetics/Laboratory Corporation of America, LabCorp
Classification: Likely benign. Last evaluated: 2021-11-22. Review status: criteria provided, single submitter. Criteria: LabCorp Variant Classification Summary - May 2015. Collection method: clinical testing. Allele origin: germline.
Comment: Variant summary: CACNB2 c.1044+3A>T alters a conserved nucleotide located close to a canonical splice site and therefore could affect mRNA splicing, leading to a significantly altered protein sequence. 4/4 computational tools predict no significant impact on normal splicing. However, these predictions have yet to be confirmed by functional studies. The variant allele was found at a frequency of 0.00011 in 251250 control chromosomes, predominantly at a frequency of 0.00022 within the Non-Finnish European subpopulation in the gnomAD database. The observed variant frequency within Non-Finnish European control individuals in the gnomAD database is approximately 70 fold of the estimated maximal expected allele frequency for a pathogenic variant in CACNB2 causing Brugada Syndrome phenotype (3.1e-06), strongly suggesting that the variant is a benign polymorphism found primarily in populations of Non-Finnish European origin. c.1044+3A>T (also known as c.1122+3A>T) has been reported in the literature in at least one individual who was a cardiac arrest survivor (Mellor_2017). This individual also had a second variant for this gene c.1558G>A and authors classified both variants as VUS. This report does not provide unequivocal conclusions about association of the variant with Brugada Syndrome. To our knowledge, no experimental evidence demonstrating an impact on protein function has been reported. Four clinical diagnostic laboratories have submitted clinical-significance assessments for this variant to ClinVar after 2014 and all laboratories classified the variant as uncertain significance. Based on the evidence outlined above, the variant was classified as likely benign.

GeneDx
Classification: Uncertain significance. Last evaluated: 2020-04-07. Review status: criteria provided, single submitter. Criteria: GeneDx Variant Classification Process June 2021. Collection method: clinical testing. Allele origin: germline. Affected: yes.
Comment: Has not been previously published as pathogenic or benign to our knowledge; In-silico analysis is inconclusive as to whether the variant alters gene splicing. In the absence of RNA/functional studies, the actual effect of this sequence change is unknown.; Reported in ClinVar as a variant of uncertain significance (ClinVar Variant ID# 180291; Landrum et al., 2016)

Centre for Mendelian Genomics, University Medical Centre Ljubljana
Classification: Uncertain significance for Brugada syndrome 4. Last evaluated: 2019-02-15. Review status: criteria provided, single submitter. Criteria: ACMG Guidelines, 2015. Collection method: clinical testing. Allele origin: unknown. Affected: yes.
Comment: This variant was classified as: Uncertain significance. The available evidence on this variant's pathogenicity is insufficient or conflicting. The following ACMG criteria were applied in classifying this variant: BS1.

Literature cited by the submitters: PubMed 28600387 (cited by Labcorp Genetics (formerly Invitae), Labcorp and Women's Health and Genetics/Laboratory Corporation of America, LabCorp); PubMed 17576681 (cited by Labcorp Genetics (formerly Invitae), Labcorp); PubMed 9536098 (cited by Labcorp Genetics (formerly Invitae), Labcorp).

NM_201596.3(CACNB2):c.1206+3A>T

Gene: CACNB2 (calcium voltage-gated channel auxiliary subunit beta 2; plus strand). Cytogenetic location: 10p12.31.
Variant type: single nucleotide variant.
Coding change: c.1206+3A>T on transcript NM_201596.3 (MANE Select); 3 bases into the intron after coding-DNA position 1206, A replaced by T.
Molecular consequence: intron variant.
Genome position (GRCh38, 1-based): chr10:18,534,230, A>T. VCF-style: chr10-18534230-A-T. GRCh37 (hg19) VCF-style: chr10-18823159-A-T.
Other names: c.1122+3A>T (NM_201571.4); c.1008+3A>T (NM_001167945.2); c.1050+3A>T (NM_201572.4); c.1092+3A>T (NM_201593.3); c.1134+3A>T (NM_201597.3); c.1041+3A>T (NM_000724.4); c.927+3A>T (NM_001330060.2); c.1044+3A>T (NM_201590.3); and 1 more.
Identifiers: ClinVar variation 180291 (VCV000180291.21), dbSNP rs200174877, ClinGen allele CA346238.
Genomic context (GRCh38, chr10:18,534,230, plus strand): 5'-ACTCAGTAAAACCTCCTTGGCCCCTATTATAGTATATGTAAAGATTTCTTCTCCTAAGGT[A>T]AGTAGGACTGCTACTGTTTGCTCTATAATCAAACTTTCCTAAAATGTATTTTATGTTCTG-3'